The following is an entry in ClinVar:

NM_001005242.3(PKP2):c.1577C>T (p.Ala526Val)

Gene: PKP2 (plakophilin 2; minus strand). Cytogenetic location: 12p11.21.
Variant type: single nucleotide variant.
Coding change: c.1577C>T on transcript NM_001005242.3 (MANE Select); coding-DNA position 1577, C replaced by T.
Protein change: p.Ala526Val; replaces alanine 526 with valine.
Molecular consequence: missense variant.
Genome position (GRCh38, 1-based): chr12:32,824,142, G>A on the plus strand (C>T on the coding strand, the complement: PKP2 is on the minus strand). VCF-style: chr12-32824142-G-A. GRCh37 (hg19) VCF-style: chr12-32977076-G-A.
Other names: c.1577C>T, p.Ala526Val (NM_001407155.1, NM_001407156.1, NM_001407161.1); c.1709C>T, p.Ala570Val (NM_001407157.1, NM_004572.4); c.1250C>T, p.Ala417Val (NM_001407158.1, NM_001407159.1, NM_001407160.1 and 1 more transcripts); short protein forms A526V, A417V, A570V.
Identifiers: ClinVar variation 2774090 (VCV002774090.5), dbSNP rs140058940, ClinGen allele CA030494.
Genomic context (GRCh38, chr12:32,824,142, plus strand): 5'-ACATAATGGACCAGTGAGTCAATGAGTCCGTCACATCTTCTCATCGCTTTTCTCCCATCA[G>A]CGCCAGCAGAACTCATGTTTCTATCAGAAAAAACAAAAAACAAAAAAGTAAGTCTAGGCT-3'
Protein context (NP_001005242.2, residues 516-536): GCLRNMSSAG[Ala526Val]DGRKAMRRCD

ClinVar aggregate classification (germline): Uncertain significance. Review status: criteria provided, multiple submitters, no conflicts (2 of 4 stars). 4 submissions from 4 submitters: Uncertain significance (4). Last evaluated 2026-01-14.

Conditions:
Arrhythmogenic right ventricular dysplasia 9 (ARVD9). Also called: ARRHYTHMOGENIC RIGHT VENTRICULAR DYSPLASIA, FAMILIAL, 9; Arrhythmogenic Right Ventricular Dysplasia/Cardiomyopathy 9. Identifiers: MedGen C1836906, MONDO:0012180, OMIM 609040.
Cardiomyopathy (CMYO). Also called: Cardiomyopathies. Identifiers: Orphanet 167848, MedGen C0878544, MONDO:0004994, HP:0001638. Inheritance: Various modes of inheritance.
Arrhythmogenic right ventricular cardiomyopathy (ARVD). Also called: Arrhythmogenic right ventricular dysplasia; Cardiomyopathy, ARVC; Arrhythmogenic cardiomyopathy; Arrhythmogenic Right Ventricular Cardiomyopathy (ARVC). Identifiers: Orphanet 247, MedGen C0349788, MeSH D019571, MONDO:0016587. Disease mechanism: loss of function. Inheritance: Various modes of inheritance.
Cardiovascular phenotype. Identifiers: MedGen CN230736.

Allele frequency attached by ClinVar (database versions not stated): ExAC 0.00001; gnomAD 0.00001; gnomAD exomes 0.00002; 1000 Genomes Project 30x 0.00016; 1000 Genomes Project 0.00020.
gnomAD v4.1: 31 of 1,612,222 alleles (0.0019%); highest among the groups gnomAD compares: African/African-American, 0.004%; no homozygotes.

Submissions (4):

Labcorp Genetics (formerly Invitae), Labcorp
Classification: Uncertain significance for Arrhythmogenic right ventricular dysplasia 9. Last evaluated: 2026-01-14. Review status: criteria provided, single submitter. Criteria: Invitae Variant Classification Sherloc (09022015). Collection method: clinical testing. Allele origin: germline.
Comment: This sequence change replaces alanine, which is neutral and non-polar, with valine, which is neutral and non-polar, at codon 570 of the PKP2 protein (p.Ala570Val). This variant is present in population databases (rs140058940, gnomAD 0.008%). This variant has not been reported in the literature in individuals affected with PKP2-related conditions. ClinVar contains an entry for this variant (Variation ID: 2774090). An algorithm developed to predict the effect of missense changes on protein structure and function (PolyPhen-2) suggests that this variant is likely to be tolerated. In summary, the available evidence is currently insufficient to determine the role of this variant in disease. Therefore, it has been classified as a Variant of Uncertain Significance.

All of Us Research Program, National Institutes of Health
Classification: Uncertain significance for Arrhythmogenic right ventricular cardiomyopathy. Last evaluated: 2023-08-08. Review status: criteria provided, single submitter. Criteria: ACMG Guidelines, 2015. Collection method: clinical testing. Allele origin: germline. Inheritance: Autosomal dominant inheritance. Observed: 1 variant allele, 1 heterozygote.
Comment: This missense variant replaces alanine with valine at codon 570 of the PKP2 protein. Computational prediction suggests that this variant may not impact protein structure and function (internally defined REVEL score threshold <= 0.5, PMID: 27666373). To our knowledge, functional studies have not been reported for this variant. This variant has not been reported in individuals affected with cardiovascular disorders in the literature. This variant has been identified in 1/250886 chromosomes in the general population by the Genome Aggregation Database (gnomAD). The available evidence is insufficient to determine the role of this variant in disease conclusively. Therefore, this variant is classified as a Variant of Uncertain Significance.

This study involves interpretation of variants in research participants for the purpose of population health screening. Participant phenotype was not available at the time of variant classification. Additional details can be found in publication PMID: 35346344, PMCID: PMC8962531

Color Diagnostics, LLC DBA Color Health
Classification: Uncertain significance for Cardiomyopathy. Last evaluated: 2023-08-02. Review status: criteria provided, single submitter. Criteria: ACMG Guidelines, 2015. Collection method: clinical testing. Allele origin: germline.
Comment: This missense variant replaces alanine with valine at codon 570 of the PKP2 protein. Computational prediction suggests that this variant may not impact protein structure and function (internally defined REVEL score threshold <= 0.5, PMID: 27666373). To our knowledge, functional studies have not been reported for this variant. This variant has not been reported in individuals affected with cardiovascular disorders in the literature. This variant has been identified in 1/250886 chromosomes in the general population by the Genome Aggregation Database (gnomAD). The available evidence is insufficient to determine the role of this variant in disease conclusively. Therefore, this variant is classified as a Variant of Uncertain Significance.

Ambry Genetics
Classification: Uncertain significance for Cardiovascular phenotype. Last evaluated: 2023-02-06. Review status: criteria provided, single submitter. Criteria: Ambry Variant Classification Scheme 2023. Collection method: clinical testing. Allele origin: germline.
Comment: The p.A570V variant (also known as c.1709C>T), located in coding exon 8 of the PKP2 gene, results from a C to T substitution at nucleotide position 1709. The alanine at codon 570 is replaced by valine, an amino acid with similar properties. This amino acid position is poorly conserved in available vertebrate species. In addition, this alteration is predicted to be tolerated by in silico analysis. Since supporting evidence is limited at this time, the clinical significance of this alteration remains unclear.